The following is an entry in ClinVar:

ClinVar aggregate classification (germline): Uncertain significance (1 of 4 stars; one submission).

Conditions:
Cataract 17 multiple types. Also called: CATARACT 17, PULVERULENT; CATARACT 17, CONGENITAL NUCLEAR, AUTOSOMAL RECESSIVE. Identifiers: Orphanet 91492, MedGen C3888124, MONDO:0012688, OMIM 611544.

Submission:

Labcorp Genetics (formerly Invitae), Labcorp
Classification: Uncertain significance for Cataract 17 multiple types. Last evaluated: 2022-03-12. Review status: criteria provided, single submitter. Criteria: Invitae Variant Classification Sherloc (09022015). Collection method: clinical testing. Allele origin: germline.
Comment: This variant disrupts a region of the CRYBB1 protein in which other variant(s) (p.Lys252Arg) have been observed in individuals with CRYBB1-related conditions (PMID: 32854469). This suggests that this is a clinically significant region of the protein, and that variants that disrupt it are likely to be disease-causing. In summary, the available evidence is currently insufficient to determine the role of this variant in disease. Therefore, it has been classified as a Variant of Uncertain Significance. Experimental studies and prediction algorithms are not available or were not evaluated, and the functional significance of this variant is currently unknown. This variant has not been reported in the literature in individuals affected with CRYBB1-related conditions. This variant is not present in population databases (gnomAD no frequency). This sequence change results in a frameshift in the CRYBB1 gene (p.Lys252Glnfs*). While this is not anticipated to result in nonsense mediated decay, it is expected to disrupt the last 1 amino acid(s) of the CRYBB1 protein and extend the protein by 32 additional amino acid residues.

Literature cited by the submitters: PubMed 32854469.

NM_001887.4(CRYBB1):c.753dup (p.Lys252fs)

Genes: CRYBA4 (crystallin beta A4; plus strand), CRYBB1 (crystallin beta B1; minus strand). Cytogenetic location: 22q12.1.
Variant type: Duplication.
Coding change: c.753dup on transcript NM_001887.4 (MANE Select); coding-DNA position 753, one base duplicated (C; older notation c.753dupC).
Protein change: p.Lys252fs; shifts the reading frame from lysine 252.
Molecular consequence: frameshift variant.
Genome position (GRCh38, 1-based): chr22:26,599,496, G duplicated on the plus strand (C on the coding strand, the reverse complement: CRYBB1 is on the minus strand); the first of 6 consecutive G bases (chr22:26,599,496-26,599,501); duplicating any one gives the same sequence. VCF-style (leftmost placement, unchanged base first): chr22-26599495-T-TG. GRCh37 (hg19) VCF-style: chr22-26995459-T-TG.
Other names: short protein forms K252fs.
Identifiers: ClinVar variation 2189716 (VCV002189716.4), dbSNP rs2518949470, ClinGen allele CA645615945.